The following is an entry in ClinVar:

ClinVar aggregate classification (germline): Uncertain significance (1 of 4 stars; one submission).

Conditions:
Hereditary cancer-predisposing syndrome. Also called: Neoplastic Syndromes, Hereditary; Tumor predisposition; Hereditary neoplastic syndrome; Hereditary Cancer Syndrome. Identifiers: Orphanet 140162, MedGen C0027672, MeSH D009386, MONDO:0015356.

Submission:

Ambry Genetics
Classification: Uncertain significance for Hereditary cancer-predisposing syndrome. Last evaluated: 2023-01-28. Review status: criteria provided, single submitter. Criteria: Ambry Variant Classification Scheme 2023. Collection method: clinical testing. Allele origin: germline.
Comment: The p.E531K variant (also known as c.1591G>A), located in coding exon 12 of the POT1 gene, results from a G to A substitution at nucleotide position 1591. The glutamic acid at codon 531 is replaced by lysine, an amino acid with similar properties. This amino acid position is conserved. In addition, this alteration is predicted to be tolerated by in silico analysis. Since supporting evidence is limited at this time, the clinical significance of this alteration remains unclear.

NM_015450.3(POT1):c.1591G>A (p.Glu531Lys)

Gene: POT1 (protection of telomeres 1; minus strand). Cytogenetic location: 7q31.33.
Variant type: single nucleotide variant.
Coding change: c.1591G>A on transcript NM_015450.3 (MANE Select); coding-DNA position 1591, G replaced by A.
Protein change: p.Glu531Lys; replaces glutamic acid 531 with lysine.
Molecular consequence: missense variant. On other transcripts: non-coding transcript variant (2).
Genome position (GRCh38, 1-based): chr7:124,829,257, C>T on the plus strand (G>A on the coding strand, the complement: POT1 is on the minus strand). VCF-style: chr7-124829257-C-T. GRCh37 (hg19) VCF-style: chr7-124469311-C-T.
Other names: c.1198G>A, p.Glu400Lys (NM_001042594.2); short protein forms E400K, E531K.
Identifiers: ClinVar variation 2450552 (VCV002450552.2), dbSNP rs2485352337, ClinGen allele CA369064279.